The following is an entry in ClinVar:

ClinVar aggregate classification (germline): Uncertain significance. Review status: criteria provided, multiple submitters, no conflicts (2 of 4 stars). 2 submissions from 2 submitters: Uncertain significance (2). Last evaluated 2025-07-21.

Conditions:
Dilated cardiomyopathy 1Z (CMD1Z). Identifiers: Orphanet 154, MedGen C2678475, MONDO:0012745, OMIM 611879.
Hypertrophic cardiomyopathy 13. Also called: TNNC1-Related Familial Hypertrophic Cardiomyopathy. Identifiers: MedGen C2750472, MONDO:0013195, OMIM 613243.
Cardiovascular phenotype. Identifiers: MedGen CN230736.

Allele frequency attached by ClinVar (database versions not stated): gnomAD exomes below 0.00001.

Submissions (2):

Ambry Genetics
Classification: Uncertain significance for Cardiovascular phenotype. Last evaluated: 2025-07-21. Review status: criteria provided, single submitter. Criteria: Ambry Variant Classification Scheme 2023. Collection method: clinical testing. Allele origin: germline.
Comment: The p.T124P variant (also known as c.370A>C), located in coding exon 5 of the TNNC1 gene, results from an A to C substitution at nucleotide position 370. The threonine at codon 124 is replaced by proline, an amino acid with highly similar properties. This amino acid position is conserved. In addition, the in silico prediction for this alteration is inconclusive. Based on the available evidence, the clinical significance of this variant remains unclear.

Labcorp Genetics (formerly Invitae), Labcorp
Classification: Uncertain significance for Hypertrophic cardiomyopathy 13; Dilated cardiomyopathy 1Z. Last evaluated: 2022-09-11. Review status: criteria provided, single submitter. Criteria: Invitae Variant Classification Sherloc (09022015). Collection method: clinical testing. Allele origin: germline.
Comment: In summary, the available evidence is currently insufficient to determine the role of this variant in disease. Therefore, it has been classified as a Variant of Uncertain Significance. Algorithms developed to predict the effect of missense changes on protein structure and function are either unavailable or do not agree on the potential impact of this missense change (SIFT: "Tolerated"; PolyPhen-2: "Probably Damaging"; Align-GVGD: "Class C0"). This variant has not been reported in the literature in individuals affected with TNNC1-related conditions. This variant is not present in population databases (gnomAD no frequency). This sequence change replaces threonine, which is neutral and polar, with proline, which is neutral and non-polar, at codon 124 of the TNNC1 protein (p.Thr124Pro).

NM_003280.3(TNNC1):c.370A>C (p.Thr124Pro)

Gene: TNNC1 (troponin C1, slow skeletal and cardiac type; minus strand). Cytogenetic location: 3p21.1.
Variant type: single nucleotide variant.
Coding change: c.370A>C on transcript NM_003280.3 (MANE Select); coding-DNA position 370, A replaced by C.
Protein change: p.Thr124Pro; replaces threonine 124 with proline.
Molecular consequence: missense variant.
Genome position (GRCh38, 1-based): chr3:52,451,475, T>G on the plus strand (A>C on the coding strand, the complement: TNNC1 is on the minus strand). VCF-style: chr3-52451475-T-G. GRCh37 (hg19) VCF-style: chr3-52485491-T-G.
Other names: short protein forms T124P.
Identifiers: ClinVar variation 1719253 (VCV001719253.6), dbSNP rs2471443689, ClinGen allele CA353165760.